The following is an entry in ClinVar:

NM_178857.6(RP1L1):c.2849G>A (p.Arg950His)

Gene: RP1L1 (RP1 like 1). Cytogenetic location: 8p23.1.
Variant type: single nucleotide variant.
Coding change: c.2849G>A on transcript NM_178857.6 (MANE Select); coding-DNA position 2849, G replaced by A.
Protein change: p.Arg950His; replaces arginine 950 with histidine.
Molecular consequence: missense variant.
Genome position (GRCh38, 1-based): chr8:10,611,249, C>T on the plus strand (G>A on the coding strand, the complement: RP1L1 is on the minus strand). VCF-style: chr8-10611249-C-T. GRCh37 (hg19) VCF-style: chr8-10468759-C-T.
Other names: short protein forms R950H.
Identifiers: ClinVar variation 425433 (VCV000425433.47), dbSNP rs201968725, ClinGen allele CA4624685.

ClinVar aggregate classification (germline): Conflicting classifications of pathogenicity. Review status: criteria provided, conflicting classifications (1 of 4 stars). 2 submissions from 2 submitters: Uncertain significance (1); Benign (1). Last evaluated 2017-04-28.

Conditions:
Occult macular dystrophy (OCMD). Also called: OMD; OCCULT MACULAR DYSTROPHY, SUSCEPTIBILITY TO. Identifiers: Orphanet 247834, MedGen C3150833, MONDO:0013316, OMIM 613587, HP:0030636.

Allele frequency attached by ClinVar (database versions not stated): gnomAD 0.00012 and 0.00017; ESP Exome Variant Server 0.00016; TOPMed 0.00019.
gnomAD v4.1: 281 of 1,613,006 alleles (0.017%); highest among the groups gnomAD compares: South Asian, 0.15%; 6 homozygotes.

Submissions (2):

Illumina Laboratory Services, Illumina
Classification: Benign for Occult macular dystrophy. Last evaluated: 2017-04-28. Review status: criteria provided, single submitter. Criteria: ICSL Variant Classification Criteria 13 December 2019. Collection method: clinical testing. Allele origin: germline.
Comment: This variant was observed as part of a predisposition screen in an ostensibly healthy population. A literature search was performed for the gene, cDNA change, and amino acid change (where applicable). Publications were found based on this search. The evidence from the literature, in combination with allele frequency data from public databases where available, was sufficient to rule this variant out of causing disease. Therefore, this variant is classified as benign.

CeGaT Center for Human Genetics Tuebingen
Classification: Uncertain significance. Last evaluated: 2016-10-01. Review status: criteria provided, single submitter. Criteria: CeGaT Center For Human Genetics Tuebingen Variant Classification Criteria Version 2. Collection method: clinical testing. Allele origin: germline. Affected: yes. Observed: 1 variant allele.

Literature cited by the submitters: PubMed 23281133 (cited by Illumina Laboratory Services, Illumina).